The following is an entry in ClinVar:

NM_000370.3(TTPA):c.131C>T (p.Pro44Leu)

Gene: TTPA (alpha tocopherol transfer protein; minus strand). Cytogenetic location: 8q12.3.
Variant type: single nucleotide variant.
Coding change: c.131C>T on transcript NM_000370.3 (MANE Select); coding-DNA position 131, C replaced by T.
Protein change: p.Pro44Leu; replaces proline 44 with leucine.
Molecular consequence: missense variant.
Genome position (GRCh38, 1-based): chr8:63,085,891, G>A on the plus strand (C>T on the coding strand, the complement: TTPA is on the minus strand). VCF-style: chr8-63085891-G-A. GRCh37 (hg19) VCF-style: chr8-63998450-G-A.
Other names: short protein forms P44L.
Identifiers: ClinVar variation 1006523 (VCV001006523.9), dbSNP rs928983374, ClinGen allele CA178858403.

ClinVar aggregate classification (germline): Uncertain significance. Review status: criteria provided, multiple submitters, no conflicts (2 of 4 stars). 3 submissions from 3 submitters: Uncertain significance (2). 1 of the submissions does not count toward it. Last evaluated 2025-06-18.

Conditions:
Inborn genetic diseases. Identifiers: MedGen C0950123, MeSH D030342.
Familial isolated deficiency of vitamin E (AVED). Also called: Ataxia with isolated vitamin E deficiency; ATAXIA, FRIEDREICH-LIKE, WITH SELECTIVE VITAMIN E DEFICIENCY. Identifiers: Orphanet 96, MedGen C1848533, MONDO:0010188, OMIM 277460.

Allele frequency attached by ClinVar (database versions not stated): TOPMed below 0.00001.
gnomAD v4.1: 5 of 1,530,412 alleles (0.00033%); highest among the groups gnomAD compares: Non-Finnish European, 0.00017%; no homozygotes.

Submissions (3):

Ambry Genetics
Classification: Uncertain significance for Inborn genetic diseases. Last evaluated: 2025-06-18. Review status: criteria provided, single submitter. Criteria: Ambry Variant Classification Scheme 2023. Collection method: clinical testing. Allele origin: germline.

Labcorp Genetics (formerly Invitae), Labcorp
Classification: Uncertain significance. Last evaluated: 2024-10-08. Review status: criteria provided, single submitter. Criteria: Invitae Variant Classification Sherloc (09022015). Collection method: clinical testing. Allele origin: germline.
Comment: This sequence change replaces proline, which is neutral and non-polar, with leucine, which is neutral and non-polar, at codon 44 of the TTPA protein (p.Pro44Leu). The frequency data for this variant in the population databases is considered unreliable, as metrics indicate poor data quality at this position in the gnomAD database. This variant has not been reported in the literature in individuals affected with TTPA-related conditions. ClinVar contains an entry for this variant (Variation ID: 1006523). Invitae Evidence Modeling of protein sequence and biophysical properties (such as structural, functional, and spatial information, amino acid conservation, physicochemical variation, residue mobility, and thermodynamic stability) indicates that this missense variant is not expected to disrupt TTPA protein function with a negative predictive value of 80%. In summary, the available evidence is currently insufficient to determine the role of this variant in disease. Therefore, it has been classified as a Variant of Uncertain Significance.

Natera, Inc.
Classification: Uncertain significance for Ataxia with isolated vitamin E deficiency. Last evaluated: 2020-09-13. Review status: no assertion criteria provided. Collection method: clinical testing. Allele origin: germline. Not counted in ClinVar's aggregate classification.